The following is an entry in ClinVar:

ClinVar aggregate classification (germline): Uncertain significance (1 of 4 stars; one submission).

Conditions:
Argininosuccinate lyase deficiency. Also called: Argininosuccinic aciduria; ARGININOSUCCINIC ACID LYASE DEFICIENCY; ASL DEFICIENCY. Identifiers: Orphanet 23, MedGen C0268547, MONDO:0008815, OMIM 207900, HP:0025630.

Allele frequency attached by ClinVar (database versions not stated): ESP Exome Variant Server 0.00008.
gnomAD v4.1: 2 of 1,612,536 alleles (0.00012%); highest among the groups gnomAD compares: Non-Finnish European, 0.00017%; no homozygotes.

Submission:

Labcorp Genetics (formerly Invitae), Labcorp
Classification: Uncertain significance for Argininosuccinate lyase deficiency. Last evaluated: 2023-05-23. Review status: criteria provided, single submitter. Criteria: Invitae Variant Classification Sherloc (09022015). Collection method: clinical testing. Allele origin: germline.
Comment: In summary, the available evidence is currently insufficient to determine the role of this variant in disease. Therefore, it has been classified as a Variant of Uncertain Significance. Advanced modeling of protein sequence and biophysical properties (such as structural, functional, and spatial information, amino acid conservation, physicochemical variation, residue mobility, and thermodynamic stability) performed at Invitae indicates that this missense variant is expected to disrupt ASL protein function. ClinVar contains an entry for this variant (Variation ID: 1946041). This variant has not been reported in the literature in individuals affected with ASL-related conditions. This variant is present in population databases (rs137915973, gnomAD 0.002%). This sequence change replaces glycine, which is neutral and non-polar, with arginine, which is basic and polar, at codon 77 of the ASL protein (p.Gly77Arg).

NM_000048.4(ASL):c.229G>C (p.Gly77Arg)

Gene: ASL (argininosuccinate lyase; plus strand). Cytogenetic location: 7q11.21.
Variant type: single nucleotide variant.
Coding change: c.229G>C on transcript NM_000048.4 (MANE Select); coding-DNA position 229, G replaced by C.
Protein change: p.Gly77Arg; replaces glycine 77 with arginine.
Molecular consequence: missense variant.
Genome position (GRCh38, 1-based): chr7:66,082,389, G>C. VCF-style: chr7-66082389-G-C. GRCh37 (hg19) VCF-style: chr7-65547376-G-C.
Other names: c.229G>C, p.Gly77Arg (NM_001024943.2, NM_001024944.2, NM_001024946.2); short protein forms G77R.
Identifiers: ClinVar variation 1946041 (VCV001946041.5), dbSNP rs137915973, ClinGen allele CA4276857.